The following is an entry in ClinVar:

ClinVar aggregate classification (germline): Benign. Review status: criteria provided, multiple submitters, no conflicts (2 of 4 stars). 2 submissions from 2 submitters: Benign (2). Last evaluated 2021-05-12.

Conditions:
Adult-onset autosomal dominant demyelinating leukodystrophy. Identifiers: Orphanet 99027, MedGen C1868512, MONDO:0008215.

Allele frequency attached by ClinVar (database versions not stated): ESP Exome Variant Server 0.65259; TOPMed 0.66066; gnomAD exomes 0.66454 and 0.67454; gnomAD 0.66941; 1000 Genomes Project 0.67272; 1000 Genomes Project 30x 0.67302; ExAC 0.67513.
gnomAD v4.1: 911,629 of 1,372,024 alleles (66%); highest among the groups gnomAD compares: South Asian, 71%; 303,164 homozygotes.

Submissions (2):

GeneDx
Classification: Benign. Last evaluated: 2021-05-12. Review status: criteria provided, single submitter. Criteria: GeneDx Variant Classification Process June 2021. Collection method: clinical testing. Allele origin: germline. Affected: yes.

Illumina Laboratory Services, Illumina
Classification: Benign for Leukodystrophy, demyelinating, adult-onset, autosomal dominant, typical. Last evaluated: 2018-01-13. Review status: criteria provided, single submitter. Criteria: ICSL Variant Classification Criteria 13 December 2019. Collection method: clinical testing. Allele origin: germline.
Comment: This variant was observed in the ICSL laboratory as part of a predisposition screen in an ostensibly healthy population. It had not been previously curated by ICSL or reported in the Human Gene Mutation Database (HGMD: prior to June 1st, 2018), and was therefore a candidate for classification through an automated scoring system. Utilizing variant allele frequency, disease prevalence and penetrance estimates, and inheritance mode, an automated score was calculated to assess if this variant is too frequent to cause the disease. Based on the score and internal cut-off values, a variant classified as benign is not then subjected to further curation. The score for this variant resulted in a classification of benign for this disease.

NM_005573.4(LMNB1):c.*43T>C

Gene: LMNB1 (lamin B1; plus strand). Cytogenetic location: 5q23.2.
Variant type: single nucleotide variant.
Coding change: c.*43T>C on transcript NM_005573.4 (MANE Select); 43 bases downstream of the stop codon, T replaced by C.
Molecular consequence: 3 prime UTR variant. On other transcripts: non-coding transcript variant (1).
Genome position (GRCh38, 1-based): chr5:126,836,307, T>C. VCF-style: chr5-126836307-T-C. GRCh37 (hg19) VCF-style: chr5-126171999-T-C.
Other names: c.*43T>C (NM_001198557.2).
Identifiers: ClinVar variation 350622 (VCV000350622.6), dbSNP rs1051643, ClinGen allele CA3390817.